The following is an entry in ClinVar:

NM_005751.5(AKAP9):c.9574T>C (p.Phe3192Leu)

Gene: AKAP9 (A-kinase anchoring protein 9; plus strand). Cytogenetic location: 7q21.2.
Variant type: single nucleotide variant.
Coding change: c.9574T>C on transcript NM_005751.5 (MANE Select); coding-DNA position 9574, T replaced by C.
Protein change: p.Phe3192Leu; replaces phenylalanine 3192 with leucine.
Molecular consequence: missense variant.
Genome position (GRCh38, 1-based): chr7:92,093,312, T>C. VCF-style: chr7-92093312-T-C. GRCh37 (hg19) VCF-style: chr7-91722626-T-C.
Other names: c.4219T>C, p.Phe1407Leu (NM_001379277.1); c.9550T>C, p.Phe3184Leu (NM_147185.3); short protein forms F3192L, F1407L, F3184L.
Identifiers: ClinVar variation 4613387 (VCV004613387.1).

ClinVar aggregate classification (germline): Uncertain significance (1 of 4 stars; one submission).

Conditions:
Cardiovascular phenotype. Identifiers: MedGen CN230736.

Submission:

Ambry Genetics
Classification: Uncertain significance for Cardiovascular phenotype. Last evaluated: 2025-10-05. Review status: criteria provided, single submitter. Criteria: Ambry Variant Classification Scheme 2023. Collection method: clinical testing. Allele origin: germline.
Comment: The p.F3192L variant (also known as c.9574T>C), located in coding exon 39 of the AKAP9 gene, results from a T to C substitution at nucleotide position 9574. The phenylalanine at codon 3192 is replaced by leucine, an amino acid with highly similar properties. This amino acid position is conserved. In addition, this alteration is predicted to be tolerated by in silico analysis. Based on the available evidence, the clinical significance of this variant remains unclear.